The following is an entry in ClinVar:

ClinVar aggregate classification (germline): Uncertain significance. Review status: criteria provided, multiple submitters, no conflicts (2 of 4 stars). 2 submissions from 2 submitters: Uncertain significance (2). Last evaluated 2025-07-08.

Conditions:
Pyruvate dehydrogenase E2 deficiency (PDHDD). Also called: Dihydrolipoamide Acetyltransferase (E2) Deficiency; LACTIC ACIDEMIA DUE TO DEFECT OF E2 LIPOYL TRANSACETYLASE OF THE PYRUVATE DEHYDROGENASE COMPLEX. Identifiers: Orphanet 765, Orphanet 79244, MedGen C1855565, MONDO:0009502, OMIM 245348.

Allele frequency attached by ClinVar (database versions not stated): gnomAD exomes 0.00002; TOPMed below 0.00001; gnomAD 0.00001.
gnomAD v4.1: 8 of 1,613,578 alleles (0.0005%); highest among the groups gnomAD compares: Admixed American, 0.013%; no homozygotes.

Submissions (2):

GeneDx
Classification: Uncertain significance. Last evaluated: 2025-07-08. Review status: criteria provided, single submitter. Criteria: GeneDx Variant Classification Process June 2021. Collection method: clinical testing. Allele origin: germline. Affected: yes.
Comment: In silico analysis suggests that this missense variant does not alter protein structure/function; Has not been previously published as pathogenic or benign to our knowledge

Labcorp Genetics (formerly Invitae), Labcorp
Classification: Uncertain significance for Pyruvate dehydrogenase E2 deficiency. Last evaluated: 2022-07-19. Review status: criteria provided, single submitter. Criteria: Invitae Variant Classification Sherloc (09022015). Collection method: clinical testing. Allele origin: germline.
Comment: This sequence change replaces asparagine, which is neutral and polar, with threonine, which is neutral and polar, at codon 11 of the DLAT protein (p.Asn11Thr). This variant is present in population databases (no rsID available, gnomAD 0.02%). This variant has not been reported in the literature in individuals affected with DLAT-related conditions. ClinVar contains an entry for this variant (Variation ID: 841563). Advanced modeling of protein sequence and biophysical properties (such as structural, functional, and spatial information, amino acid conservation, physicochemical variation, residue mobility, and thermodynamic stability) performed at Invitae indicates that this missense variant is not expected to disrupt DLAT protein function. In summary, the available evidence is currently insufficient to determine the role of this variant in disease. Therefore, it has been classified as a Variant of Uncertain Significance.

NM_001931.5(DLAT):c.32A>C (p.Asn11Thr)

Gene: DLAT (dihydrolipoamide S-acetyltransferase; plus strand). Cytogenetic location: 11q23.1.
Variant type: single nucleotide variant.
Coding change: c.32A>C on transcript NM_001931.5 (MANE Select); coding-DNA position 32, A replaced by C.
Protein change: p.Asn11Thr; replaces asparagine 11 with threonine.
Molecular consequence: missense variant. On other transcripts: 5 prime UTR variant (3), non-coding transcript variant (1).
Genome position (GRCh38, 1-based): chr11:112,025,504, A>C. VCF-style: chr11-112025504-A-C. GRCh37 (hg19) VCF-style: chr11-111896228-A-C.
Other names: c.32A>C, p.Asn11Thr (NM_001372031.1, NM_001372032.1, NM_001372033.1 and 6 more transcripts); c.-10A>C (NM_001372036.1, NM_001372037.1); c.-435A>C (NM_001372042.1); short protein forms N11T.
Identifiers: ClinVar variation 841563 (VCV000841563.5), dbSNP rs1035034726, ClinGen allele CA382594704.